The following is an entry in ClinVar:

ClinVar aggregate classification (germline): Benign. Review status: criteria provided, multiple submitters, no conflicts (2 of 4 stars). 4 submissions from 4 submitters: Benign (3). 1 of the submissions does not count toward it. Last evaluated 2023-05-04.

Conditions:
Multiple acyl-CoA dehydrogenase deficiency (MADD). Also called: ETHYLMALONIC-ADIPICACIDURIA; GA II; Glutaric aciduria, type 2; Glutaric acidemia type II; GA 2; Glutaric Acidemia type 2. Identifiers: Orphanet 26791, MedGen C0268596, MONDO:0009282, OMIM 231680.

Submissions (4):

Molecular Genetics, Royal Melbourne Hospital
Classification: Benign for Multiple acyl-CoA dehydrogenase deficiency. Last evaluated: 2023-05-04. Review status: criteria provided, single submitter. Criteria: ACMG Guidelines, 2015. Collection method: clinical testing. Allele origin: germline. Affected: yes.
Comment: South Asian population allele frequency is 4.479% (rs141529162, 1,433/30,614 alleles, 58 homozygotes in gnomAD v2.1). Based on the classification scheme RMH Modified ACMG/AMP Guidelines v1.1.0, this variant is classified as BENIGN. Following criteria are met: BA1

GeneDx
Classification: Benign. Last evaluated: 2018-06-05. Review status: criteria provided, single submitter. Criteria: GeneDx Variant Classification Process June 2021. Collection method: clinical testing. Allele origin: germline. Affected: yes.

Laboratory for Molecular Medicine, Mass General Brigham Personalized Medicine
Classification: Benign. Last evaluated: 2016-03-28. Review status: criteria provided, single submitter. Criteria: LMM Criteria. Collection method: clinical testing. Allele origin: germline.
Comment: Variant identified in a genome or exome case(s) and assessed due to predicted null impact of the variant or pathogenic assertions in the literature or databases. Disclaimer: This variant has not undergone full assessment. The following are preliminary notes: Frequency in ESP (all): 406/12518=3.24%

SingHealth Duke-NUS Institute of Precision Medicine
Classification: Uncertain significance for Multiple acyl-CoA dehydrogenase deficiency. Last evaluated: 2017-06-07. Review status: no assertion criteria provided. Collection method: curation. Allele origin: germline. Affected: no. Not counted in ClinVar's aggregate classification.

NM_001985.3(ETFB):c.58-57dup

Gene: ETFB (electron transfer flavoprotein subunit beta; minus strand). Cytogenetic location: 19q13.41.
Variant type: Duplication.
Coding change: c.58-57dup on transcript NM_001985.3 (MANE Select); 57 bases into the intron before coding-DNA position 58, one base duplicated (C; older notation c.58-57dupC).
Molecular consequence: intron variant. On other transcripts: frameshift variant (1).
Genome position (GRCh38, 1-based): chr19:51,354,361, G duplicated on the plus strand (C on the coding strand, the reverse complement: ETFB is on the minus strand); the first of 5 consecutive G bases (chr19:51,354,361-51,354,365); duplicating any one gives the same sequence. VCF-style (leftmost placement, unchanged base first): chr19-51354360-T-TG. GRCh37 (hg19) VCF-style: chr19-51857614-T-TG.
Other names: c.278dup, p.Pro94fs (NM_001014763.1); c.278dupC (NM_001014763.1); short protein forms P94fs.
Identifiers: ClinVar variation 203695 (VCV000203695.7), dbSNP rs74357706, ClinGen allele CA312491.